The following is an entry in ClinVar:

ClinVar aggregate classification (germline): Pathogenic (1 of 4 stars; one submission).

Conditions:
Neurofibromatosis, type 1 (NF1). Also called: Peripheral type neurofibromatosis; Neurofibromatosis, type I; VON RECKLINGHAUSEN DISEASE; NEUROFIBROMATOSIS, TYPE I, SOMATIC. Identifiers: Orphanet 636, MedGen C0027831, MONDO:0018975, OMIM 162200. Disease mechanism: loss of function.

Submission:

Labcorp Genetics (formerly Invitae), Labcorp
Classification: Pathogenic for Neurofibromatosis, type 1. Last evaluated: 2021-02-01. Review status: criteria provided, single submitter. Criteria: Invitae Variant Classification Sherloc (09022015). Collection method: clinical testing. Allele origin: germline.
Comment: This variant has not been reported in the literature in individuals with NF1-related conditions. This sequence change creates a premature translational stop signal (p.Gly1511Glufs*42) in the NF1 gene. It is expected to result in an absent or disrupted protein product. Loss-of-function variants in NF1 are known to be pathogenic (PMID: 10712197, 23913538). This variant is not present in population databases (ExAC no frequency). For these reasons, this variant has been classified as Pathogenic.

Literature cited by the submitters: PubMed 10712197; PubMed 23913538.

NM_001042492.3(NF1):c.4593del (p.Gly1532fs)

Gene: NF1 (neurofibromin 1; plus strand). Cytogenetic location: 17q11.2.
Variant type: Deletion.
Coding change: c.4593del on transcript NM_001042492.3 (MANE Select); coding-DNA position 4593, one base deleted (T; older notation c.4593delT).
Protein change: p.Gly1532fs; shifts the reading frame from glycine 1532.
Molecular consequence: frameshift variant.
Genome position (GRCh38, 1-based): chr17:31,261,726, T deleted; the last of 2 consecutive T bases (chr17:31,261,725-31,261,726); deleting either gives the same sequence. VCF-style (leftmost placement, unchanged base first): chr17-31261724-GT-G. GRCh37 (hg19) VCF-style: chr17-29588742-GT-G.
Other names: c.4530delT, p.Gly1511Glufs (NM_000267.4); short protein forms G1532fs, G1511fs.
Identifiers: ClinVar variation 1416265 (VCV001416265.6), dbSNP rs2151466223, ClinGen allele CA2514751123.